The following is an entry in ClinVar:

ClinVar aggregate classification (germline): Uncertain significance (1 of 4 stars; one submission).

gnomAD v4.1: 53 of 1,613,082 alleles (0.0033%); highest among the groups gnomAD compares: African/African-American, 0.023%; no homozygotes.

Submission:

Labcorp Genetics (formerly Invitae), Labcorp
Classification: Uncertain significance. Last evaluated: 2022-06-18. Review status: criteria provided, single submitter. Criteria: Invitae Variant Classification Sherloc (09022015). Collection method: clinical testing. Allele origin: germline.
Comment: This sequence change replaces alanine, which is neutral and non-polar, with threonine, which is neutral and polar, at codon 1586 of the HSPG2 protein (p.Ala1586Thr). This variant is present in population databases (rs199840493, gnomAD 0.02%). This variant has not been reported in the literature in individuals affected with HSPG2-related conditions. Algorithms developed to predict the effect of missense changes on protein structure and function output the following: SIFT: "Tolerated"; PolyPhen-2: "Benign"; Align-GVGD: "Class C0". The threonine amino acid residue is found in multiple mammalian species, which suggests that this missense change does not adversely affect protein function. In summary, the available evidence is currently insufficient to determine the role of this variant in disease. Therefore, it has been classified as a Variant of Uncertain Significance.

NM_005529.7(HSPG2):c.4756G>A (p.Ala1586Thr)

Gene: HSPG2 (heparan sulfate proteoglycan 2; minus strand). Cytogenetic location: 1p36.12.
Variant type: single nucleotide variant.
Coding change: c.4756G>A on transcript NM_005529.7 (MANE Select); coding-DNA position 4756, G replaced by A.
Protein change: p.Ala1586Thr; replaces alanine 1586 with threonine.
Molecular consequence: missense variant.
Genome position (GRCh38, 1-based): chr1:21,862,100, C>T on the plus strand (G>A on the coding strand, the complement: HSPG2 is on the minus strand). VCF-style: chr1-21862100-C-T. GRCh37 (hg19) VCF-style: chr1-22188593-C-T.
Other names: c.4759G>A, p.Ala1587Thr (NM_001291860.2); short protein forms A1586T, A1587T.
Identifiers: ClinVar variation 2415396 (VCV002415396.3), dbSNP rs199840493, ClinGen allele CA19132488.
Genomic context (GRCh38, chr1:21,862,100, plus strand): 5'-TCCCGGCTGTGGCATCTCCGTAGTAGCCAGGGGCACAAAGCTCGCAGAACTCCCCTGCGG[C>T]GTTGTGCTGGCATTGCTGCAGGGCACAAGGAGGGCAGGCACCAGCCATTAGGCCAAATTT-3'
Protein context (NP_005520.4, residues 1576-1596): TGACSQCQHN[Ala1586Thr]AGEFCELCAP